The following is an entry in ClinVar:

ClinVar aggregate classification (germline): Uncertain significance (1 of 4 stars; one submission).

Conditions:
Hereditary hemorrhagic telangiectasia (HHT). Also called: ORW DISEASE; Osler Weber Rendu syndrome; OSLER-RENDU-WEBER DISEASE; Osler hemorrhagic telangiectasia syndrome. Identifiers: Orphanet 774, MedGen C0039445, MONDO:0019180. Disease mechanism: loss of function.

Submission:

Labcorp Genetics (formerly Invitae), Labcorp
Classification: Uncertain significance for Hereditary hemorrhagic telangiectasia. Last evaluated: 2023-05-23. Review status: criteria provided, single submitter. Criteria: Invitae Variant Classification Sherloc (09022015). Collection method: clinical testing. Allele origin: germline.
Comment: An algorithm developed to predict the effect of missense changes on protein structure and function (PolyPhen-2) suggests that this variant is likely to be tolerated. In summary, the available evidence is currently insufficient to determine the role of this variant in disease. Therefore, it has been classified as a Variant of Uncertain Significance. ClinVar contains an entry for this variant (Variation ID: 2051471). This variant has not been reported in the literature in individuals affected with ENG-related conditions. This variant is not present in population databases (gnomAD no frequency). This sequence change replaces glutamic acid, which is acidic and polar, with lysine, which is basic and polar, at codon 619 of the ENG protein (p.Glu619Lys).

NM_001114753.3(ENG):c.1852+3G>A

Gene: ENG (endoglin; minus strand). Cytogenetic location: 9q34.11.
Variant type: single nucleotide variant.
Coding change: c.1852+3G>A on transcript NM_001114753.3 (MANE Select); 3 bases into the intron after coding-DNA position 1852, G replaced by A.
Molecular consequence: intron variant. On other transcripts: missense variant (1).
Genome position (GRCh38, 1-based): chr9:127,815,940, C>T on the plus strand (G>A on the coding strand, the complement: ENG is on the minus strand). VCF-style: chr9-127815940-C-T. GRCh37 (hg19) VCF-style: chr9-130578219-C-T.
Other names: c.1855G>A, p.Glu619Lys (NM_000118.4); c.1306+3G>A (NM_001278138.2); short protein forms E619K.
Identifiers: ClinVar variation 2051471 (VCV002051471.4), dbSNP rs2539053291, ClinGen allele CA374971467.